The following is an entry in ClinVar:

ClinVar aggregate classification (germline): Pathogenic/Likely pathogenic. Review status: criteria provided, multiple submitters, no conflicts (2 of 4 stars). 11 submissions from 11 submitters: Pathogenic (4); Likely pathogenic (6). 1 of the submissions does not count toward it. Last evaluated 2026-04-01.

Conditions:
Wilson disease (WND). Also called: Wilson's disease. Identifiers: Orphanet 905, MedGen C0019202, MONDO:0010200, OMIM 277900. Disease mechanism: loss of function.

Allele frequency attached by ClinVar (database versions not stated): gnomAD 0.00001.
gnomAD v4.1: 13 of 1,613,994 alleles (0.00081%); highest among the groups gnomAD compares: Middle Eastern, 0.066%; no homozygotes.

Submissions (11):

CeGaT Center for Human Genetics Tuebingen
Classification: Likely pathogenic. Last evaluated: 2026-04-01. Review status: criteria provided, single submitter. Criteria: CeGaT Center For Human Genetics Tuebingen Variant Classification Criteria Version 2. Collection method: clinical testing. Allele origin: germline. Affected: yes. Observed: 2 variant alleles.
Comment: ATP7B: PM3:Strong, PM2, PM5, PP4, BS3:Supporting

Natera, Inc.
Classification: Pathogenic for Wilson disease. Last evaluated: 2025-03-23. Review status: criteria provided, single submitter. Criteria: Natera Variant Classification Schema (03/2026). Collection method: clinical testing. Allele origin: germline.
Comment: The c.1924G>C variant in ATP7B is a missense variant predicted to cause substitution of aspartic acid to histidine at amino acid 642. This variant is rare in the general population with a frequency below the threshold expected for the associated phenotype(s). This variant has been observed in one or more individuals affected with the associated recessive disease, as either homozygous or compound heterozygous with a second variant (PMID: 21610751, 22308153, 29540233). Additionally, this variant has been observed to segregate in affected family members (PMID: 29540233). A different variant at the same position has been determined to be Pathogenic or Likely Pathogenic. Computational prediction algorithms indicate this variant is likely to affect gene or protein function. Given the available evidence, this variant is classified as Pathogenic.

Labcorp Genetics (formerly Invitae), Labcorp
Classification: Pathogenic for Wilson disease. Last evaluated: 2024-03-19. Review status: criteria provided, single submitter. Criteria: Invitae Variant Classification Sherloc (09022015). Collection method: clinical testing. Allele origin: germline.
Comment: This sequence change replaces aspartic acid, which is acidic and polar, with histidine, which is basic and polar, at codon 642 of the ATP7B protein (p.Asp642His). This variant is present in population databases (rs72552285, gnomAD 0.006%). This missense change has been observed in individual(s) with Wilson syndrome and a copper metabolism disorder and Wilson disease (PMID: 18483695, 21610751, 21682854, 22308153, 24706876, 29540233; Invitae). In at least one individual the data is consistent with being in trans (on the opposite chromosome) from a pathogenic variant. It has also been observed to segregate with disease in related individuals. ClinVar contains an entry for this variant (Variation ID: 189109). Advanced modeling of protein sequence and biophysical properties (such as structural, functional, and spatial information, amino acid conservation, physicochemical variation, residue mobility, and thermodynamic stability) performed at Invitae indicates that this missense variant is not expected to disrupt ATP7B protein function with a negative predictive value of 80%. Experimental studies have shown that this missense change does not substantially affect ATP7B function (PMID: 18203200). Algorithms developed to predict the effect of sequence changes on RNA splicing suggest that this variant may disrupt the consensus splice site. For these reasons, this variant has been classified as Pathogenic.

Genomic Medicine Center of Excellence, King Faisal Specialist Hospital and Research Centre
Classification: Pathogenic for Wilson disease. Last evaluated: 2024-03-17. Review status: criteria provided, single submitter. Criteria: ACMG Guidelines, 2015. Collection method: research. Allele origin: germline.

Baylor Genetics
Classification: Pathogenic for Wilson disease. Last evaluated: 2024-01-04. Review status: criteria provided, single submitter. Criteria: ACMG Guidelines, 2015. Collection method: clinical testing. Allele origin: unknown.

Laboratory for Molecular Medicine, Mass General Brigham Personalized Medicine
Classification: Likely pathogenic for Wilson disease. Last evaluated: 2022-11-03. Review status: criteria provided, single submitter. Criteria: ACMG Guidelines, 2015. Collection method: clinical testing. Allele origin: germline.
Comment: The p.Asp642His variant in ATP7B has been reported in at least 4 homozygous and 1 compound heterozygous patients with Wilson disease (Abdel Ghaffar 2011 PMID: 18483695, Moller 2011 PMID: 21610751, Braiterman 2014 PMID: 24706876, Daneshjoo 2018 PMID: 29540233). It has also segregated in an affected relative (Daneshjoo 2018 PMID: 29540233). It has been identified in 2/34528 Latino chromosomes by gnomAD, though this is low enough to be consistent with a recessive allele frequency. Several functional studies indicated that this missense variant behaved similar to wild-type (Hsi 2008 PMID: 18203200); however, these types of assays may not accurately represent biological function. In summary, although additional studies are required to fully establish its clinical significance, this variant meets criteria to be classified as likely pathogenic for autosomal recessive Wilson disease; however, studies are required to determine that this variant is located on the functional gene, not pseudogene. ACMG/AMP Criteria applied: PM3_Strong, PM2, PP1, PP4.

Fulgent Genetics
Classification: Likely pathogenic for Wilson disease. Last evaluated: 2021-12-08. Review status: criteria provided, single submitter. Criteria: ACMG Guidelines, 2015. Collection method: clinical testing. Allele origin: unknown.

Genome-Nilou Lab
Classification: Likely pathogenic for Wilson disease. Last evaluated: 2021-07-22. Review status: criteria provided, single submitter. Criteria: ACMG Guidelines, 2015. Collection method: clinical testing. Allele origin: germline. Affected: no.

Revvity Omics, Revvity
Classification: Likely pathogenic for Wilson disease. Last evaluated: 2021-05-17. Review status: criteria provided, single submitter. Criteria: ACMG Guidelines, 2015. Collection method: clinical testing. Allele origin: germline.

Mayo Clinic Laboratories, Mayo Clinic
Classification: Likely pathogenic. Last evaluated: 2020-08-26. Review status: criteria provided, single submitter. Criteria: ACMG Guidelines, 2015. Collection method: clinical testing. Allele origin: germline. Observed: 1 variant allele.
Comment: PS4_moderate, PM2, PM3, PP3, PP4

Counsyl
Classification: Likely pathogenic for Wilson's disease. Last evaluated: 2014-12-29. Review status: no assertion criteria provided. Collection method: literature only. Allele origin: unknown. Inheritance: Autosomal recessive inheritance. Not counted in ClinVar's aggregate classification.

Literature cited by the submitters: PubMed 21610751 (cited by 4 submitters); PubMed 22308153 (cited by 4 submitters); PubMed 29540233 (cited by 3 submitters); PubMed 18483695 (cited by 3 submitters); PubMed 21682854 (cited by 3 submitters); PubMed 24706876 (cited by 3 submitters); PubMed 18203200 (cited by 4 submitters); PubMed 9671269 (cited by Mayo Clinic Laboratories, Mayo Clinic and Counsyl); PubMed 17919502 (cited by Mayo Clinic Laboratories, Mayo Clinic and Counsyl); PubMed 25525159 (cited by Mayo Clinic Laboratories, Mayo Clinic).

NM_000053.4(ATP7B):c.1924G>C (p.Asp642His)

Gene: ATP7B (ATPase copper transporting beta; minus strand). Cytogenetic location: 13q14.3.
Variant type: single nucleotide variant.
Coding change: c.1924G>C on transcript NM_000053.4 (MANE Select); coding-DNA position 1924, G replaced by C.
Protein change: p.Asp642His; replaces aspartic acid 642 with histidine.
Molecular consequence: missense variant. On other transcripts: intron variant (2).
Genome position (GRCh38, 1-based): chr13:51,961,859, C>G on the plus strand (G>C on the coding strand, the complement: ATP7B is on the minus strand). VCF-style: chr13-51961859-C-G. GRCh37 (hg19) VCF-style: chr13-52535995-C-G.
Other names: c.1591G>C, p.Asp531His (NM_001243182.2); c.1924G>C, p.Asp642His (NM_001330578.2); c.1869+3013G>C (NM_001005918.3, NM_001330579.2); short protein forms D642H, D531H.
Identifiers: ClinVar variation 189109 (VCV000189109.35), dbSNP rs72552285, ClinGen allele CA274388.